The following is an entry in ClinVar:

NM_000059.4(BRCA2):c.3778_3779del (p.Leu1260fs)

Gene: BRCA2 (BRCA2 DNA repair associated; plus strand). Cytogenetic location: 13q13.1.
Variant type: Deletion.
Coding change: c.3778_3779del on transcript NM_000059.4 (MANE Select); coding-DNA positions 3778 to 3779, 2 bases deleted (TT; older notation c.3778_3779delTT).
Protein change: p.Leu1260fs; shifts the reading frame from leucine 1260.
Molecular consequence: frameshift variant.
Genome position (GRCh38, 1-based): chr13:32,338,133-32,338,134, TT deleted; deleting any 2 consecutive bases within chr13:32,338,132-32,338,134 gives the same sequence; the c. name uses the placement nearest the transcript's 3' end. VCF-style (leftmost placement, unchanged base first): chr13-32338131-GTT-G. GRCh37 (hg19) VCF-style: chr13-32912268-GTT-G.
Other names: 4006delTT; c.3778_3779delTT (NM_000059.3).
Identifiers: ClinVar variation 51523 (VCV000051523.16), dbSNP rs397507686, ClinGen allele CA018795.
Genomic context (GRCh38, chr13:32,338,131, plus strand): 5'-AACTGTTTAGTGATATTGAGAATATTAGTGAGGAAACTTCTGCAGAGGTACATCCAATAA[GTT>G]TATCTTCAAGTAAATGTCATGATTCTGTTGTTTCAATGTTTAAGATAGAAAATCATAATG-3'

ClinVar aggregate classification (germline): Pathogenic. Review status: reviewed by expert panel (3 of 4 stars). 7 submissions from 7 submitters: Pathogenic (1). 6 of the submissions do not count toward it. Last evaluated 2016-10-18.

Conditions:
Hereditary breast ovarian cancer syndrome. Also called: Hereditary breast and ovarian cancer syndrome; Hereditary breast and ovarian cancer; Hereditary breast and ovarian cancer syndrome (HBOC); Breast and ovarian cancer; Hereditary breast and/or ovarian cancer syndrome; BRCA1- and BRCA2-Associated Hereditary Breast and Ovarian Cancer. Identifiers: Orphanet 145, MedGen C0677776, MeSH D061325, MONDO:0003582. Disease mechanism: loss of function.
Breast-ovarian cancer, familial, susceptibility to, 2 (BROVCA2). Also called: BRCA2 Hereditary Breast and Ovarian Cancer. Identifiers: Orphanet 145, MedGen C2675520, MONDO:0012933, OMIM 612555. Disease mechanism: loss of function.
Hereditary cancer-predisposing syndrome. Also called: Neoplastic Syndromes, Hereditary; Tumor predisposition; Hereditary Cancer Syndrome; Hereditary neoplastic syndrome. Identifiers: Orphanet 140162, MedGen C0027672, MeSH D009386, MONDO:0015356.

Submissions (7):

Evidence-based Network for the Interpretation of Germline Mutant Alleles (ENIGMA)
Classification: Pathogenic for Breast-ovarian cancer, familial, susceptibility to, 2. Last evaluated: 2016-10-18. Review status: reviewed by expert panel. Criteria: ENIGMA BRCA1/2 Classification Criteria (2015). Collection method: curation. Allele origin: germline.
Comment: Variant allele predicted to encode a truncated non-functional protein.

Molecular Pathology, Peter Maccallum Cancer Centre
Classification: Pathogenic for Breast-ovarian cancer, familial, susceptibility to, 2. Last evaluated: 2024-10-30. Review status: criteria provided, single submitter. Criteria: ACMG Guidelines, 2015. Collection method: clinical testing. Allele origin: germline. Inheritance: Autosomal dominant inheritance. Not counted in ClinVar's aggregate classification.

Ambry Genetics
Classification: Pathogenic for Hereditary cancer-predisposing syndrome. Last evaluated: 2023-10-06. Review status: criteria provided, single submitter. Criteria: Ambry Variant Classification Scheme 2023. Collection method: clinical testing. Allele origin: germline. Not counted in ClinVar's aggregate classification.
Comment: The c.3778_3779delTT pathogenic mutation, located in coding exon 10 of the BRCA2 gene, results from a deletion of two nucleotides at nucleotide positions 3778 to 3779, causing a translational frameshift with a predicted alternate stop codon (p.L1260Ifs*4). This variant has been identified in individuals with a personal history of ovarian or prostate cancer (Risch HA et al. J Natl Cancer Inst, 2006 Dec;98:1694-706; Zhang S et al. Gynecol Oncol, 2011 May;121:353-7; Nguyen-Dumont T et al. Int J Cancer, 2020 Oct;147:2142-2149). This variant is considered to be rare based on population cohorts in the Genome Aggregation Database (gnomAD). This alteration is expected to result in loss of function by premature protein truncation or nonsense-mediated mRNA decay. As such, this alteration is interpreted as a disease-causing mutation.

Labcorp Genetics (formerly Invitae), Labcorp
Classification: Pathogenic for Hereditary breast ovarian cancer syndrome. Last evaluated: 2022-09-20. Review status: criteria provided, single submitter. Criteria: Invitae Variant Classification Sherloc (09022015). Collection method: clinical testing. Allele origin: germline. Not counted in ClinVar's aggregate classification.
Comment: This variant is also known as 4005delTT. This sequence change creates a premature translational stop signal (p.Leu1260Ilefs*4) in the BRCA2 gene. It is expected to result in an absent or disrupted protein product. Loss-of-function variants in BRCA2 are known to be pathogenic (PMID: 20104584). This variant is not present in population databases (gnomAD no frequency). This premature translational stop signal has been observed in individual(s) with ovarian cancer (PMID: 17148771, 21324516). ClinVar contains an entry for this variant (Variation ID: 51523). For these reasons, this variant has been classified as Pathogenic.

Sema4
Classification: Pathogenic for Hereditary cancer-predisposing syndrome. Last evaluated: 2021-09-09. Review status: criteria provided, single submitter. Criteria: Sema4 Curation Guidelines. Collection method: curation. Allele origin: germline. Not counted in ClinVar's aggregate classification.
Comment: The BRCA2 c.3778_3779delTT (p.L1260IfsX4) variant has been reported in heterozygosity in at least one individual with ovarian cancer (PMID: 17148771, 21324516). This variant has also been reported in at least one individual with prostate cancer; this patient also carried a pathogenic variant in the MUTYH gene (PMID: 32338768). It is also known as 4005delTT in the literature. This variant causes a frameshift at amino acid 1260 that results in premature termination 4 amino acids downstream. At this location, this is predicted to cause nonsense-mediated decay and result in an absent protein (loss of function). Loss of function variants in BRCA1 or BRCA2 are known to be pathogenic (PMID: 29446198). This variant is not reported in the population database Genome Aggregation Database (PMID: 32461654). This variant has been reported in ClinVar (Variation ID: 51523). Based on the current evidence available, this variant is interpreted as pathogenic.

Consortium of Investigators of Modifiers of BRCA1/2 (CIMBA), c/o University of Cambridge
Classification: Pathogenic for Breast-ovarian cancer, familial, susceptibility to, 2. Last evaluated: 2015-10-02. Review status: criteria provided, single submitter. Criteria: CIMBA Mutation Classification guidelines May 2016. Collection method: clinical testing. Allele origin: germline. Not counted in ClinVar's aggregate classification.

Research Molecular Genetics Laboratory, Women's College Hospital, University of Toronto
Classification: Pathogenic for Hereditary breast ovarian cancer syndrome. Last evaluated: 2014-01-31. Review status: no assertion criteria provided. Collection method: research. Allele origin: germline. Affected: yes. Study: The Canadian Open Genetics Repository (COGR). Not counted in ClinVar's aggregate classification.

Literature cited by the submitters: PubMed 17148771 (cited by 3 submitters); PubMed 21324516 (cited by 3 submitters); PubMed 32338768 (cited by Ambry Genetics and Sema4); PubMed 33804961 (cited by Ambry Genetics); PubMed 20104584 (cited by Labcorp Genetics (formerly Invitae), Labcorp); PubMed 29446198 (cited by Sema4).